The following is an entry in ClinVar:

ClinVar aggregate classification (germline): Uncertain significance (1 of 4 stars; one submission).

Conditions:
Neuronal ceroid lipofuscinosis. Also called: Neuronal Ceroid Lipofuscinoses. Identifiers: Orphanet 216, Orphanet 79263, MedGen C0027877, MONDO:0016295. Disease mechanism: loss of function.

Submission:

Labcorp Genetics (formerly Invitae), Labcorp
Classification: Uncertain significance for Neuronal ceroid lipofuscinosis. Last evaluated: 2018-07-03. Review status: criteria provided, single submitter. Criteria: Invitae Variant Classification Sherloc (09022015). Collection method: clinical testing. Allele origin: germline.
Comment: This sequence change replaces arginine with lysine at codon 5 of the DNAJC5 protein (p.Arg5Lys). The arginine residue is moderately conserved and there is a small physicochemical difference between arginine and lysine. This variant is not present in population databases (ExAC no frequency). This variant has not been reported in the literature in individuals with DNAJC5-related disease. Algorithms developed to predict the effect of missense changes on protein structure and function (SIFT, PolyPhen-2, Align-GVGD) all suggest that this variant is likely to be tolerated, but these predictions have not been confirmed by published functional studies and their clinical significance is uncertain. In summary, the available evidence is currently insufficient to determine the role of this variant in disease. Therefore, it has been classified as a Variant of Uncertain Significance.

NM_025219.3(DNAJC5):c.14G>A (p.Arg5Lys)

Gene: DNAJC5 (DnaJ heat shock protein family (Hsp40) member C5; plus strand). Cytogenetic location: 20q13.33.
Variant type: single nucleotide variant.
Coding change: c.14G>A on transcript NM_025219.3 (MANE Select); coding-DNA position 14, G replaced by A.
Protein change: p.Arg5Lys; replaces arginine 5 with lysine.
Molecular consequence: missense variant.
Genome position (GRCh38, 1-based): chr20:63,928,359, G>A. VCF-style: chr20-63928359-G-A. GRCh37 (hg19) VCF-style: chr20-62559712-G-A.
Other names: short protein forms R5K.
Identifiers: ClinVar variation 662459 (VCV000662459.8), dbSNP rs1006274437, ClinGen allele CA317518717.